The following continues an entry in ClinVar:

NM_000535.7(PMS2):c.1874del (p.Ser624_Leu625insTer)

Gene: PMS2. ClinVar aggregate classification (germline): Pathogenic. Pathogenic (12).

Submissions 10 to 13 of 13:

Women's Health and Genetics/Laboratory Corporation of America, LabCorp
Classification: Pathogenic for Hereditary nonpolyposis colon cancer. Last evaluated: 2021-11-23. Review status: criteria provided, single submitter. Criteria: LabCorp Variant Classification Summary - May 2015. Collection method: clinical testing. Allele origin: germline.
Comment: Variant summary: PMS2 c.1874delT (p.Leu625X) results in a premature termination codon, predicted to cause a truncation of the encoded protein or absence of the protein due to nonsense mediated decay, which are commonly known mechanisms for disease. Truncations downstream of this position have been classified as pathogenic by our laboratory. The variant allele was found at a frequency of 4e-06 in 251448 control chromosomes (gnomAD). However, these data indicate that the variant is likely to be associated with disease. To our knowledge, no experimental evidence demonstrating an impact on protein function has been reported. Seven clinical diagnostic laboratories have submitted clinical-significance assessments for this variant to ClinVar after 2014 and all laboratories classified the variant as pathogenic. Based on the evidence outlined above, the variant was classified as pathogenic.

ARUP Laboratories, Molecular Genetics and Genomics, ARUP Laboratories
Classification: Pathogenic. Last evaluated: 2018-02-13. Review status: criteria provided, single submitter. Criteria: ARUP Molecular Germline Variant Investigation Process. Collection method: clinical testing. Allele origin: germline.
Comment: The PMS2 c.1874delT; p.Leu625Ter variant (rs786203073) has been reported in individuals with colorectal cancer (Goodenberger 2016, Rosty 2016). This variant is reported as pathogenic by multiple laboratories in ClinVar (Variation ID: 186596) and is seen in the general population at a low overall frequency of 0.0004% (1/246252 alleles) in the Genome Aggregation Database. This variant induces an early termination codon and is predicted to result in a truncated protein or mRNA subject to nonsense-mediated decay. Based on the above information, this variant is considered pathogenic. References: Goodenberger M et al. PMS2 monoallelic mutation carriers: the known unknown. Genet Med. 2016 Jan; 18(1): 13â€“19. Rosty C et al. Germline mutations in PMS2 and MLH1 in individuals with solitary loss of PMS2 expression in colorectal carcinomas from the Colon Cancer Family Registry Cohort. BMJ Open. 2016 Feb 19;6(2):e010293.

Laboratory for Molecular Medicine, Mass General Brigham Personalized Medicine
Classification: Pathogenic for Lynch syndrome. Last evaluated: 2017-06-12. Review status: criteria provided, single submitter. Criteria: LMM Criteria. Collection method: clinical testing. Allele origin: germline. Inheritance: Autosomal dominant inheritance. Observed: 1 variant allele.
Comment: The p.Leu625X variant in PMS2 has been reported in at least 1 individual with a Lynch syndrome-associated cancer (Rosty 2016, Goodenberger 2016) and has also be en reported in ClinVar (Variation ID 186596). It was also identified in 1/111710 of European chromosomes by the Genome Aggregation Database (gnomAD). This nonsense variant is a result of a deletion of 1 bas e at position 1874, which creates a premature termination codon at amino acid po sition 625. This alteration is then predicted to lead to a truncated or absent p rotein. Heterozygous loss of function of function of the PMS2 gene is an establ ished disease mechanism in Lynch syndrome. In summary, this variant meets criter ia to be classified as pathogenic for Lynch syndrome in an autosomal dominant ma nner based upon its absence from controls and predicted impact to the protein an d low frequency in controls.

PreventionGenetics, part of Exact Sciences
Classification: Pathogenic for PMS2-related condition. Last evaluated: 2024-06-20. Review status: no assertion criteria provided. Collection method: clinical testing. Allele origin: germline. Not counted in ClinVar's aggregate classification.
Comment: The PMS2 c.1874delT variant is predicted to result in premature protein termination (p.Leu625*). This variant has been reported in individuals with colorectal cancer (Table S1, Goodenberger et al. 2016. PubMed ID: 25856668; Supplementary Table 2, Rosty et al. 2016. PubMed ID: 26895986; eTable 3, Pearlman et al. 2017. PubMed ID: 27978560). This variant is reported in 0.00088% of alleles in individuals of European (Non-Finnish) descent in gnomAD and is interpreted as pathogenic in ClinVar. Nonsense variants in PMS2 are expected to be pathogenic. This variant is interpreted as pathogenic.

Literature cited by the submitters: PubMed 21376568 (cited by Labcorp Genetics (formerly Invitae), Labcorp); PubMed 24362816 (cited by Labcorp Genetics (formerly Invitae), Labcorp); PubMed 25856668 (cited by 7 submitters); PubMed 26895986 (cited by 7 submitters); PubMed 27978560 (cited by 5 submitters); PubMed 28514183 (cited by Quest Diagnostics Nichols Institute San Juan Capistrano and Ambry Genetics); PubMed 30019097 (cited by Quest Diagnostics Nichols Institute San Juan Capistrano and Ambry Genetics).